The following is an entry in ClinVar:

NM_001009944.3(PKD1):c.4377G>A (p.Leu1459=)

Gene: PKD1 (polycystin 1, transient receptor potential channel interacting; minus strand). Cytogenetic location: 16p13.3.
Variant type: single nucleotide variant.
Coding change: c.4377G>A on transcript NM_001009944.3 (MANE Select); coding-DNA position 4377, G replaced by A.
Protein change: p.Leu1459=; no amino-acid change (leucine 1459 retained).
Molecular consequence: synonymous variant.
Genome position (GRCh38, 1-based): chr16:2,110,790, C>T on the plus strand (G>A on the coding strand, the complement: PKD1 is on the minus strand). VCF-style: chr16-2110790-C-T. GRCh37 (hg19) VCF-style: chr16-2160791-C-T.
Other names: c.4377G>A, p.Leu1459= (NM_000296.4).
Identifiers: ClinVar variation 4996380 (VCV004996380.1).

ClinVar aggregate classification (germline): Likely benign (1 of 4 stars; one submission).

Conditions:
PKD1-related disorder. Also called: PKD1-related condition.

gnomAD v4.1: 2 of 1,611,182 alleles (0.00012%); highest among the groups gnomAD compares: Admixed American, 0.0017%; no homozygotes.

Submission:

PreventionGenetics, part of Exact Sciences
Classification: Likely benign for PKD1-related condition. Last evaluated: 2026-04-14. Review status: criteria provided, single submitter. Criteria: ACMG Guidelines, 2015. Collection method: clinical testing. Allele origin: germline.
Comment: This variant is classified as likely benign based on ACMG/AMP sequence variant interpretation guidelines (Richards et al. 2015 PMID: 25741868, with internal and published modifications).